The following is an entry in ClinVar:

NM_024664.4(PPCS):c.821C>T (p.Ser274Leu)

Genes: CCDC30 (coiled-coil domain containing 30; plus strand), PPCS (phosphopantothenoylcysteine synthetase; plus strand). Cytogenetic location: 1p34.2.
Variant type: single nucleotide variant.
Coding change: c.821C>T on transcript NM_024664.4 (MANE Select); coding-DNA position 821, C replaced by T.
Protein change: p.Ser274Leu; replaces serine 274 with leucine.
Molecular consequence: missense variant. On other transcripts: intron variant (2).
Genome position (GRCh38, 1-based): chr1:42,459,811, C>T. VCF-style: chr1-42459811-C-T. GRCh37 (hg19) VCF-style: chr1-42925482-C-T.
Other names: c.302C>T, p.Ser101Leu (NM_001077447.3, NM_001287506.1, NM_001287508.2 and 2 more transcripts); c.203C>T, p.Ser68Leu (NM_001287507.1); c.-880+2461C>T (NM_001355226.2); c.612+2461C>T (NM_001287511.2); short protein forms S274L, S68L, S101L.
Identifiers: ClinVar variation 1927491 (VCV001927491.4), dbSNP rs756903119, ClinGen allele CA339950403.

ClinVar aggregate classification (germline): Uncertain significance (1 of 4 stars; one submission).

Allele frequency attached by ClinVar (database versions not stated): gnomAD exomes 0.00001; TOPMed 0.00001; gnomAD 0.00001.
gnomAD v4.1: 12 of 1,613,828 alleles (0.00074%); highest among the groups gnomAD compares: East Asian, 0.0045%; no homozygotes.

Submission:

Labcorp Genetics (formerly Invitae), Labcorp
Classification: Uncertain significance. Last evaluated: 2024-10-17. Review status: criteria provided, single submitter. Criteria: Invitae Variant Classification Sherloc (09022015). Collection method: clinical testing. Allele origin: germline.
Comment: This sequence change replaces serine, which is neutral and polar, with leucine, which is neutral and non-polar, at codon 274 of the PPCS protein (p.Ser274Leu). This variant is present in population databases (no rsID available, gnomAD 0.006%). This variant has not been reported in the literature in individuals affected with PPCS-related conditions. ClinVar contains an entry for this variant (Variation ID: 1927491). Invitae Evidence Modeling of protein sequence and biophysical properties (such as structural, functional, and spatial information, amino acid conservation, physicochemical variation, residue mobility, and thermodynamic stability) indicates that this missense variant is not expected to disrupt PPCS protein function with a negative predictive value of 80%. In summary, the available evidence is currently insufficient to determine the role of this variant in disease. Therefore, it has been classified as a Variant of Uncertain Significance.